The following is an entry in ClinVar:

NM_175737.4(KLB):c.2123C>G (p.Thr708Ser)

Gene: KLB (klotho beta; plus strand). Cytogenetic location: 4p14.
Variant type: single nucleotide variant.
Coding change: c.2123C>G on transcript NM_175737.4 (MANE Select); coding-DNA position 2123, C replaced by G.
Protein change: p.Thr708Ser; replaces threonine 708 with serine.
Molecular consequence: missense variant.
Genome position (GRCh38, 1-based): chr4:39,446,849, C>G. VCF-style: chr4-39446849-C-G. GRCh37 (hg19) VCF-style: chr4-39448469-C-G.
Other names: short protein forms T708S.
Identifiers: ClinVar variation 4697014 (VCV004697014.1).

ClinVar aggregate classification (germline): Uncertain significance (1 of 4 stars; one submission).

gnomAD v4.1: 28 of 1,611,738 alleles (0.0017%); highest among the groups gnomAD compares: African/African-American, 0.033%; no homozygotes.

Submission:

Labcorp Genetics (formerly Invitae), Labcorp
Classification: Uncertain significance. Last evaluated: 2025-08-17. Review status: criteria provided, single submitter. Criteria: Invitae Variant Classification Sherloc (09022015). Collection method: clinical testing. Allele origin: germline.
Comment: This sequence change replaces threonine, which is neutral and polar, with serine, which is neutral and polar, at codon 708 of the KLB protein (p.Thr708Ser). This variant is present in population databases (rs367693203, gnomAD 0.04%). This variant has not been reported in the literature in individuals affected with KLB-related conditions. Invitae Evidence Modeling of protein sequence and biophysical properties (such as structural, functional, and spatial information, amino acid conservation, physicochemical variation, residue mobility, and thermodynamic stability) indicates that this missense variant is not expected to disrupt KLB protein function with a negative predictive value of 80%. In summary, the available evidence is currently insufficient to determine the role of this variant in disease. Therefore, it has been classified as a Variant of Uncertain Significance.